The following is an entry in ClinVar:

ClinVar aggregate classification (germline): Uncertain significance. Review status: criteria provided, multiple submitters, no conflicts (2 of 4 stars). 4 submissions from 4 submitters: Uncertain significance (4). Last evaluated 2026-07-20.

Conditions:
PDZD7-related disorder. Also called: PDZD7-related condition; PDZD7-related disorders.

Submissions (4):

PreventionGenetics, part of Exact Sciences
Classification: Uncertain significance for PDZD7-related condition. Last evaluated: 2026-07-20. Review status: criteria provided, single submitter. Criteria: ACMG Guidelines, 2015. Collection method: clinical testing. Allele origin: germline.
Comment: The PDZD7 c.2928_2945del18 variant is predicted to result in an in-frame deletion (p.His977_Ala982del). To our knowledge, this variant has not been reported in the literature. This variant is reported in 0.0073% of alleles in individuals of European (Non-Finnish) descent in gnomAD. At this time, the clinical significance of this variant is uncertain due to the absence of conclusive functional and genetic evidence.

GeneDx
Classification: Uncertain significance. Last evaluated: 2025-07-24. Review status: criteria provided, single submitter. Criteria: GeneDx Variant Classification Process June 2021. Collection method: clinical testing. Allele origin: germline. Affected: yes.
Comment: In-frame deletion of 6 amino acids in a non-repeat region; Has not been previously published as pathogenic or benign to our knowledge; In silico analysis does not support a benign or deleterious effect of this variant on protein structure/function

Blueprint Genetics
Classification: Uncertain significance. Last evaluated: 2023-10-16. Review status: criteria provided, single submitter. Criteria: ACMG Guidelines, 2015. Collection method: clinical testing. Allele origin: germline.

Labcorp Genetics (formerly Invitae), Labcorp
Classification: Uncertain significance. Last evaluated: 2022-07-05. Review status: criteria provided, single submitter. Criteria: Invitae Variant Classification Sherloc (09022015). Collection method: clinical testing. Allele origin: germline.
Comment: This variant, c.2928_2945del, results in the deletion of 6 amino acid(s) of the PDZD7 protein (p.His977_Ala982del), but otherwise preserves the integrity of the reading frame. This variant is present in population databases (no rsID available, gnomAD 0.008%). This variant has not been reported in the literature in individuals affected with PDZD7-related conditions. Experimental studies and prediction algorithms are not available or were not evaluated, and the functional significance of this variant is currently unknown. In summary, the available evidence is currently insufficient to determine the role of this variant in disease. Therefore, it has been classified as a Variant of Uncertain Significance.

NM_001195263.2(PDZD7):c.2928_2945del (p.His977_Ala982del)

Gene: PDZD7 (PDZ domain containing 7; minus strand). Cytogenetic location: 10q24.31.
Variant type: Deletion.
Coding change: c.2928_2945del on transcript NM_001195263.2 (MANE Select); coding-DNA positions 2928 to 2945, 18 bases deleted (CCACCAACCCCTTGATGC).
Protein change: p.His977_Ala982del.
Molecular consequence: inframe deletion.
Genome position (GRCh38, 1-based): chr10:101,008,624-101,008,641, GCATCAAGGGGTTGGTGG deleted on the plus strand (CCACCAACCCCTTGATGC on the coding strand, the reverse complement: PDZD7 is on the minus strand); deleting any 18 consecutive bases within chr10:101,008,624-101,008,644 gives the same sequence; the c. name uses the placement nearest the transcript's 3' end. VCF-style (leftmost placement, unchanged base first): chr10-101008623-AGCATCAAGGGGTTGGTGG-A. GRCh37 (hg19) VCF-style: chr10-102768380-AGCATCAAGGGGTTGGTGG-A.
Other names: c.2928_2945del (NM_001195263.1); c.2928_2945del18 (NM_001195263.1).
Identifiers: ClinVar variation 2076346 (VCV002076346.4), dbSNP rs1208115600, ClinGen allele CA595493757.